The following is an entry in ClinVar:

ClinVar aggregate classification (germline): Conflicting classifications of pathogenicity. Review status: criteria provided, conflicting classifications (1 of 4 stars). 5 submissions from 5 submitters: Uncertain significance (1); Likely benign (3). 1 of the submissions does not count toward it. Last evaluated 2026-01-16.

Conditions:
Deficiency of butyryl-CoA dehydrogenase (ACADSD). Also called: Short-Chain Acyl-CoA Dehydrogenase Deficiency; ACYL-CoA DEHYDROGENASE, SHORT-CHAIN, DEFICIENCY OF; SCADH DEFICIENCY; SCAD DEFICIENCY, MILD; SCAD Deficiency; ACADS DEFICIENCY. Identifiers: Orphanet 26792, MedGen C0342783, MONDO:0008722, OMIM 201470. Disease mechanism: May be benign.
ACADS-related disorder. Also called: ACADS-related condition.

Allele frequency attached by ClinVar (database versions not stated): gnomAD 0.00006 and 0.00007; ESP Exome Variant Server 0.00008; TOPMed 0.00009; gnomAD exomes 0.00010; ExAC 0.00013.

Submissions (5):

Labcorp Genetics (formerly Invitae), Labcorp
Classification: Likely benign for Deficiency of butyryl-CoA dehydrogenase. Last evaluated: 2026-01-16. Review status: criteria provided, single submitter. Criteria: Invitae Variant Classification Sherloc (09022015). Collection method: clinical testing. Allele origin: germline.

CeGaT Center for Human Genetics Tuebingen
Classification: Likely benign. Last evaluated: 2025-02-01. Review status: criteria provided, single submitter. Criteria: CeGaT Center For Human Genetics Tuebingen Variant Classification Criteria Version 2. Collection method: clinical testing. Allele origin: germline. Affected: yes. Observed: 2 variant alleles.
Comment: ACADS: BP4, BP7

Blueprint Genetics
Classification: Likely benign. Last evaluated: 2024-11-22. Review status: criteria provided, single submitter. Criteria: ACMG Guidelines, 2015. Collection method: clinical testing. Allele origin: germline.

Illumina Laboratory Services, Illumina
Classification: Uncertain significance for Deficiency of butyryl-CoA dehydrogenase. Last evaluated: 2018-01-13. Review status: criteria provided, single submitter. Criteria: ICSL Variant Classification Criteria 13 December 2019. Collection method: clinical testing. Allele origin: germline.

PreventionGenetics, part of Exact Sciences
Classification: Likely benign for ACADS-related condition. Last evaluated: 2019-05-23. Review status: no assertion criteria provided. Collection method: clinical testing. Allele origin: germline. Not counted in ClinVar's aggregate classification.
Comment: This variant is classified as likely benign based on ACMG/AMP sequence variant interpretation guidelines (Richards et al. 2015 PMID: 25741868, with internal and published modifications).

NM_000017.4(ACADS):c.327C>T (p.Cys109=)

Gene: ACADS (acyl-CoA dehydrogenase short chain; plus strand). Cytogenetic location: 12q24.31.
Variant type: single nucleotide variant.
Coding change: c.327C>T on transcript NM_000017.4 (MANE Select); coding-DNA position 327, C replaced by T.
Protein change: p.Cys109=; no amino-acid change (cysteine 109 retained).
Molecular consequence: synonymous variant.
Genome position (GRCh38, 1-based): chr12:120,737,102, C>T. VCF-style: chr12-120737102-C-T. GRCh37 (hg19) VCF-style: chr12-121174905-C-T.
Other names: c.327C>T, p.Cys109= (NM_001302554.2); c.327C>T (NM_000017.3).
Identifiers: ClinVar variation 884052 (VCV000884052.37), dbSNP rs144083614, ClinGen allele CA6830826.